The following is an entry in ClinVar:

NM_001167.4(XIAP):c.764dup (p.Asn255fs)

Gene: XIAP (X-linked inhibitor of apoptosis; plus strand). Cytogenetic location: Xq25.
Variant type: Duplication.
Coding change: c.764dup on transcript NM_001167.4 (MANE Select); coding-DNA position 764, one base duplicated (A; older notation c.764dupA).
Protein change: p.Asn255fs; shifts the reading frame from asparagine 255.
Molecular consequence: frameshift variant.
Genome position (GRCh38, 1-based): chrX:123,886,426, A duplicated; the last of 3 consecutive A bases (chrX:123,886,424-123,886,426); duplicating any one gives the same sequence. VCF-style (leftmost placement, unchanged base first): chrX-123886423-C-CA. GRCh37 (hg19) VCF-style: chrX-123020273-C-CA.
Other names: c.764dup, p.Asn255fs (NM_001204401.2, NM_001378590.1, NM_001378591.1 and 1 more transcripts); short protein forms N255fs.
Identifiers: ClinVar variation 3663962 (VCV003663962.2).

ClinVar aggregate classification (germline): Pathogenic (1 of 4 stars; one submission).

Conditions:
X-linked lymphoproliferative disease due to XIAP deficiency. Also called: XIAP DEFICIENCY; XIAP-Related Lymphoproliferative Disease, X-Linked. Identifiers: Orphanet 2442, Orphanet 538934, MedGen C1845076, MONDO:0010385, OMIM 300635.

Submission:

Labcorp Genetics (formerly Invitae), Labcorp
Classification: Pathogenic for X-linked lymphoproliferative disease due to XIAP deficiency. Last evaluated: 2024-09-03. Review status: criteria provided, single submitter. Criteria: Invitae Variant Classification Sherloc (09022015). Collection method: clinical testing. Allele origin: germline.
Comment: This sequence change creates a premature translational stop signal (p.Asn255Lysfs*12) in the XIAP gene. It is expected to result in an absent or disrupted protein product. Loss-of-function variants in XIAP are known to be pathogenic (PMID: 17080092, 21119115, 25666262). This variant is not present in population databases (gnomAD no frequency). This variant has not been reported in the literature in individuals affected with XIAP-related conditions. For these reasons, this variant has been classified as Pathogenic.

Literature cited by the submitters: PubMed 17080092; PubMed 21119115; PubMed 25666262.